The following is an entry in ClinVar:

ClinVar aggregate classification (germline): Uncertain significance. Review status: criteria provided, multiple submitters, no conflicts (2 of 4 stars). 2 submissions from 2 submitters: Uncertain significance (2). Last evaluated 2024-12-11.

Conditions:
Inborn genetic diseases. Identifiers: MedGen C0950123, MeSH D030342.

gnomAD v4.1: 140 of 1,613,748 alleles (0.0087%); highest among the groups gnomAD compares: Middle Eastern, 0.016%; no homozygotes.

Submissions (2):

Ambry Genetics
Classification: Uncertain significance for Inborn genetic diseases. Last evaluated: 2024-12-11. Review status: criteria provided, single submitter. Criteria: Ambry Variant Classification Scheme 2023. Collection method: clinical testing. Allele origin: germline.

Labcorp Genetics (formerly Invitae), Labcorp
Classification: Uncertain significance. Last evaluated: 2024-07-15. Review status: criteria provided, single submitter. Criteria: Invitae Variant Classification Sherloc (09022015). Collection method: clinical testing. Allele origin: germline.
Comment: This sequence change replaces proline, which is neutral and non-polar, with threonine, which is neutral and polar, at codon 339 of the COL10A1 protein (p.Pro339Thr). This variant is present in population databases (rs761027927, gnomAD 0.009%). This variant has not been reported in the literature in individuals affected with COL10A1-related conditions. Advanced modeling of protein sequence and biophysical properties (such as structural, functional, and spatial information, amino acid conservation, physicochemical variation, residue mobility, and thermodynamic stability) performed at Invitae indicates that this missense variant is not expected to disrupt COL10A1 protein function with a negative predictive value of 80%. In summary, the available evidence is currently insufficient to determine the role of this variant in disease. Therefore, it has been classified as a Variant of Uncertain Significance.

NM_000493.4(COL10A1):c.1015C>A (p.Pro339Thr)

Genes: COL10A1 (collagen type X alpha 1 chain; minus strand), NT5DC1 (5'-nucleotidase domain containing 1; plus strand). Cytogenetic location: 6q22.1.
Variant type: single nucleotide variant.
Coding change: c.1015C>A on transcript NM_000493.4 (MANE Select); coding-DNA position 1015, C replaced by A.
Protein change: p.Pro339Thr; replaces proline 339 with threonine.
Molecular consequence: missense variant. On other transcripts: intron variant (1).
Genome position (GRCh38, 1-based): chr6:116,121,101, G>T on the plus strand (C>A on the coding strand, the complement: COL10A1 is on the minus strand). VCF-style: chr6-116121101-G-T. GRCh37 (hg19) VCF-style: chr6-116442264-G-T.
Other names: c.1015C>A, p.Pro339Thr (NM_001424106.1, NM_001424107.1); c.529+3156G>T (NM_152729.3); c.1015C>A (NM_000493.3); short protein forms P339T.
Identifiers: ClinVar variation 3718243 (VCV003718243.3).